The following is an entry in ClinVar:

ClinVar aggregate classification (germline): Uncertain significance (1 of 4 stars; one submission).

gnomAD v4.1: 4 of 1,330,316 alleles (0.0003%); highest among the groups gnomAD compares: Non-Finnish European, 0.00038%; no homozygotes.

Submission:

Labcorp Genetics (formerly Invitae), Labcorp
Classification: Uncertain significance. Last evaluated: 2022-06-11. Review status: criteria provided, single submitter. Criteria: Invitae Variant Classification Sherloc (09022015). Collection method: clinical testing. Allele origin: germline.
Comment: In summary, the available evidence is currently insufficient to determine the role of this variant in disease. Therefore, it has been classified as a Variant of Uncertain Significance. Algorithms developed to predict the effect of missense changes on protein structure and function output the following: SIFT: "Not Available"; PolyPhen-2: "Not Available"; Align-GVGD: "Not Available". The proline amino acid residue is found in multiple mammalian species, which suggests that this missense change does not adversely affect protein function. This variant has not been reported in the literature in individuals affected with MAGEL2-related conditions. This variant is not present in population databases (gnomAD no frequency). This sequence change replaces arginine, which is basic and polar, with proline, which is neutral and non-polar, at codon 524 of the MAGEL2 protein (p.Arg524Pro).

NM_019066.5(MAGEL2):c.1571G>C (p.Arg524Pro)

Gene: MAGEL2 (MAGE family member L2; minus strand). Cytogenetic location: 15q11.2.
Variant type: single nucleotide variant.
Coding change: c.1571G>C on transcript NM_019066.5 (MANE Select); coding-DNA position 1571, G replaced by C.
Protein change: p.Arg524Pro; replaces arginine 524 with proline.
Molecular consequence: missense variant.
Genome position (GRCh38, 1-based): chr15:23,646,172, C>G on the plus strand (G>C on the coding strand, the complement: MAGEL2 is on the minus strand). VCF-style: chr15-23646172-C-G. GRCh37 (hg19) VCF-style: chr15-23891319-C-G.
Other names: short protein forms R524P.
Identifiers: ClinVar variation 2098003 (VCV002098003.4), dbSNP rs2503980253, ClinGen allele CA391333770.
Genomic context (GRCh38, chr15:23,646,172, plus strand): 5'-GTAGGCACCTGCGGCGCCGCCTGCACCTGCGGGGCCGGCAGCCTAGCCTGCGGGGCCTGC[C>G]GCAGTGGAGGTGGGGGTGGCAGGGCCTGCCAGAGCGGTGGCTGGGTGGCCAGGACCTGTG-3'
Protein context (NP_061939.3, residues 514-534): WQALPPPPPL[Arg524Pro]QAPQARLPAP